The following is an entry in ClinVar:

NM_198576.4(AGRN):c.3077C>A (p.Thr1026Asn)

Gene: AGRN (agrin; plus strand). Cytogenetic location: 1p36.33.
Variant type: single nucleotide variant.
Coding change: c.3077C>A on transcript NM_198576.4 (MANE Select); coding-DNA position 3077, C replaced by A.
Protein change: p.Thr1026Asn; replaces threonine 1026 with asparagine.
Molecular consequence: missense variant.
Genome position (GRCh38, 1-based): chr1:1,046,562, C>A. VCF-style: chr1-1046562-C-A. GRCh37 (hg19) VCF-style: chr1-981942-C-A.
Other names: c.3077C>A, p.Thr1026Asn (NM_001305275.2); c.2762C>A, p.Thr921Asn (NM_001364727.2); c.3077C>A (NM_198576.2); short protein forms T1026N, T921N.
Identifiers: ClinVar variation 263179 (VCV000263179.15), dbSNP rs3813188, ClinGen allele CA508944.

ClinVar aggregate classification (germline): Benign/Likely benign. Review status: criteria provided, multiple submitters, no conflicts (2 of 4 stars). 5 submissions from 5 submitters: Benign (3); Likely benign (2). Last evaluated 2026-02-02.

Conditions:
Congenital myasthenic syndrome 8. Also called: Myasthenic syndrome, congenital, 8, with pre- and postsynaptic defects; MYASTHENIC SYNDROME, CONGENITAL, DUE TO AGRIN DEFICIENCY. Identifiers: Orphanet 590, MedGen C3808739, MONDO:0014052, OMIM 615120.

Allele frequency attached by ClinVar (database versions not stated): ESP Exome Variant Server 0.00285; TOPMed 0.00581; gnomAD 0.00690 and 0.00698; ExAC 0.00870; 1000 Genomes Project 30x 0.01046; 1000 Genomes Project 0.01138.

Submissions (5):

Labcorp Genetics (formerly Invitae), Labcorp
Classification: Benign for Congenital myasthenic syndrome 8. Last evaluated: 2026-02-02. Review status: criteria provided, single submitter. Criteria: Invitae Variant Classification Sherloc (09022015). Collection method: clinical testing. Allele origin: germline.

Athena Diagnostics
Classification: Benign. Last evaluated: 2025-11-04. Review status: criteria provided, single submitter. Criteria: Athena Diagnostics Criteria. Collection method: clinical testing. Allele origin: unknown.
Comment: The frequency of this variant in the general population is higher than would generally be expected for pathogenic variants in this gene.

Center for Pediatric Genomic Medicine, Children's Mercy Hospital and Clinics
Classification: Likely benign. Last evaluated: 2017-02-23. Review status: criteria provided, single submitter. Criteria: ACMG Guidelines, 2015. Collection method: clinical testing. Allele origin: germline.

Breakthrough Genomics
Classification: Likely benign. Review status: criteria provided, single submitter. Criteria: ACMG Guidelines, 2015. Collection method: not provided. Allele origin: germline. Inheritance: Autosomal recessive inheritance. Affected: yes.

PreventionGenetics, part of Exact Sciences
Classification: Benign. Review status: criteria provided, single submitter. Criteria: ACMG Guidelines, 2015. Collection method: clinical testing. Allele origin: germline.